The following is an entry in ClinVar:

ClinVar aggregate classification (germline): Uncertain significance. Review status: criteria provided, multiple submitters, no conflicts (2 of 4 stars). 2 submissions from 2 submitters: Uncertain significance (2). Last evaluated 2025-01-13.

Conditions:
Hereditary cancer-predisposing syndrome. Also called: Hereditary Cancer Syndrome; Tumor predisposition; Hereditary neoplastic syndrome; Neoplastic Syndromes, Hereditary. Identifiers: Orphanet 140162, MedGen C0027672, MeSH D009386, MONDO:0015356.
Renal cell carcinoma. Identifiers: Orphanet 217071, MedGen C0007134, MeSH D002292, MONDO:0005086, HP:0005584.

Allele frequency attached by ClinVar (database versions not stated): gnomAD exomes below 0.00001; TOPMed 0.00002.
gnomAD v4.1: 1 of 1,614,124 alleles (0.000062%); highest among the groups gnomAD compares: African/African-American, 0.0013%; no homozygotes.

Submissions (2):

Labcorp Genetics (formerly Invitae), Labcorp
Classification: Uncertain significance for Renal cell carcinoma. Last evaluated: 2025-01-13. Review status: criteria provided, single submitter. Criteria: Invitae Variant Classification Sherloc (09022015). Collection method: clinical testing. Allele origin: germline.
Comment: This sequence change replaces phenylalanine, which is neutral and non-polar, with leucine, which is neutral and non-polar, at codon 430 of the MET protein (p.Phe430Leu). This variant is present in population databases (no rsID available, gnomAD 0.007%). This variant has not been reported in the literature in individuals affected with MET-related conditions. ClinVar contains an entry for this variant (Variation ID: 646811). Invitae Evidence Modeling of protein sequence and biophysical properties (such as structural, functional, and spatial information, amino acid conservation, physicochemical variation, residue mobility, and thermodynamic stability) indicates that this missense variant is not expected to disrupt MET protein function with a negative predictive value of 80%. In summary, the available evidence is currently insufficient to determine the role of this variant in disease. Therefore, it has been classified as a Variant of Uncertain Significance.

Ambry Genetics
Classification: Uncertain significance for Hereditary cancer-predisposing syndrome. Last evaluated: 2024-11-13. Review status: criteria provided, single submitter. Criteria: Ambry Variant Classification Scheme 2023. Collection method: clinical testing. Allele origin: germline.
Comment: The p.F430L variant (also known as c.1290C>G), located in coding exon 2 of the MET gene, results from a C to G substitution at nucleotide position 1290. The phenylalanine at codon 430 is replaced by leucine, an amino acid with highly similar properties. This amino acid position is well conserved in available vertebrate species. In addition, this alteration is predicted to be tolerated by in silico analysis. Based on the available evidence, the clinical significance of this variant remains unclear.

NM_000245.4(MET):c.1290C>G (p.Phe430Leu)

Gene: MET (MET proto-oncogene, receptor tyrosine kinase; plus strand). Cytogenetic location: 7q31.2.
Variant type: single nucleotide variant.
Coding change: c.1290C>G on transcript NM_000245.4 (MANE Select); coding-DNA position 1290, C replaced by G.
Protein change: p.Phe430Leu; replaces phenylalanine 430 with leucine.
Molecular consequence: missense variant. On other transcripts: 5 prime UTR variant (1).
Genome position (GRCh38, 1-based): chr7:116,731,757, C>G. VCF-style: chr7-116731757-C-G. GRCh37 (hg19) VCF-style: chr7-116371811-C-G.
Other names: c.1290C>G, p.Phe430Leu (NM_001127500.3, NM_001324401.3); c.-1C>G (NM_001324402.2); short protein forms F430L.
Identifiers: ClinVar variation 646811 (VCV000646811.12), dbSNP rs1194542748, ClinGen allele CA368972857.